The following is an entry in ClinVar:

ClinVar aggregate classification (germline): Uncertain significance (1 of 4 stars; one submission).

Submission:

GeneDx
Classification: Uncertain significance. Last evaluated: 2026-01-09. Review status: criteria provided, single submitter. Criteria: GeneDx Variant Classification Process June 2021. Collection method: clinical testing. Allele origin: germline.
Comment: Not observed at significant frequency in large population cohorts (gnomAD); In silico analysis supports that this missense variant has a deleterious effect on protein structure/function; Has not been previously published as pathogenic or benign to our knowledge

NM_001080517.3(SETD5):c.2264A>G (p.Tyr755Cys)

Gene: SETD5 (SET domain containing 5; plus strand). Cytogenetic location: 3p25.3.
Variant type: single nucleotide variant.
Coding change: c.2264A>G on transcript NM_001080517.3 (MANE Select); coding-DNA position 2264, A replaced by G.
Protein change: p.Tyr755Cys; replaces tyrosine 755 with cysteine.
Molecular consequence: missense variant.
Genome position (GRCh38, 1-based): chr3:9,448,548, A>G. VCF-style: chr3-9448548-A-G. GRCh37 (hg19) VCF-style: chr3-9490232-A-G.
Other names: c.1970A>G, p.Tyr657Cys (NM_001292043.2, NM_001349451.2); short protein forms Y657C, Y755C.
Identifiers: ClinVar variation 3360642 (VCV003360642.2).